The following is an entry in ClinVar:

ClinVar aggregate classification (germline): Uncertain significance (1 of 4 stars; one submission).

gnomAD v4.1: 2 of 1,613,964 alleles (0.00012%); highest among the groups gnomAD compares: Non-Finnish European, 0.00017%; no homozygotes.

Submission:

Labcorp Genetics (formerly Invitae), Labcorp
Classification: Uncertain significance. Last evaluated: 2025-10-07. Review status: criteria provided, single submitter. Criteria: Invitae Variant Classification Sherloc (09022015). Collection method: clinical testing. Allele origin: germline.
Comment: This sequence change replaces glycine, which is neutral and non-polar, with aspartic acid, which is acidic and polar, at codon 1294 of the DUOX2 protein (p.Gly1294Asp). This variant is not present in population databases (gnomAD no frequency). This variant has not been reported in the literature in individuals affected with DUOX2-related conditions. Invitae Evidence Modeling of protein sequence and biophysical properties (such as structural, functional, and spatial information, amino acid conservation, physicochemical variation, residue mobility, and thermodynamic stability) indicates that this missense variant is not expected to disrupt DUOX2 protein function with a negative predictive value of 80%. In summary, the available evidence is currently insufficient to determine the role of this variant in disease. Therefore, it has been classified as a Variant of Uncertain Significance.

NM_001363711.2(DUOX2):c.3881G>A (p.Gly1294Asp)

Gene: DUOX2 (dual oxidase 2; minus strand). Cytogenetic location: 15q21.1.
Variant type: single nucleotide variant.
Coding change: c.3881G>A on transcript NM_001363711.2 (MANE Select); coding-DNA position 3881, G replaced by A.
Protein change: p.Gly1294Asp; replaces glycine 1294 with aspartic acid.
Molecular consequence: missense variant.
Genome position (GRCh38, 1-based): chr15:45,096,027, C>T on the plus strand (G>A on the coding strand, the complement: DUOX2 is on the minus strand). VCF-style: chr15-45096027-C-T. GRCh37 (hg19) VCF-style: chr15-45388225-C-T.
Other names: c.3881G>A, p.Gly1294Asp (NM_014080.5); short protein forms G1294D.
Identifiers: ClinVar variation 4778782 (VCV004778782.1).